The following is an entry in ClinVar:

NM_000661.5(RPL9):c.394G>A (p.Val132Ile)

Gene: RPL9 (ribosomal protein L9; minus strand). Cytogenetic location: 4p14.
Variant type: single nucleotide variant.
Coding change: c.394G>A on transcript NM_000661.5 (MANE Select); coding-DNA position 394, G replaced by A.
Protein change: p.Val132Ile; replaces valine 132 with isoleucine.
Molecular consequence: missense variant.
Genome position (GRCh38, 1-based): chr4:39,454,942, C>T on the plus strand (G>A on the coding strand, the complement: RPL9 is on the minus strand). VCF-style: chr4-39454942-C-T. GRCh37 (hg19) VCF-style: chr4-39456562-C-T.
Other names: c.394G>A, p.Val132Ile (NM_001024921.4); short protein forms V132I.
Identifiers: ClinVar variation 4807565 (VCV004807565.1).
Genomic context (GRCh38, chr4:39,454,942, plus strand): 5'-CAATGTCATTTCCTTCAAGGATTAATTCATCTTTCTGGGCTTGAGATACTGAACAAGCAA[C>T]ACCTAAAAGGGGAGAGGGCATTTGCACAGCATCAAATCTGTGTAAAAAATATTTAAATTG-3'
Protein context (NP_000652.2, residues 122-142): YIRRVRMRPG[Val132Ile]ACSVSQAQKD

ClinVar aggregate classification (germline): Uncertain significance (1 of 4 stars; one submission).

gnomAD v4.1: 26 of 1,612,998 alleles (0.0016%); highest among the groups gnomAD compares: Non-Finnish European, 0.0021%; no homozygotes.

Submission:

Labcorp Genetics (formerly Invitae), Labcorp
Classification: Uncertain significance. Last evaluated: 2025-02-09. Review status: criteria provided, single submitter. Criteria: Invitae Variant Classification Sherloc (09022015). Collection method: clinical testing. Allele origin: germline.
Comment: This sequence change replaces valine, which is neutral and non-polar, with isoleucine, which is neutral and non-polar, at codon 132 of the RPL9 protein (p.Val132Ile). This variant is present in population databases (rs781390857, gnomAD 0.003%). This variant has not been reported in the literature in individuals affected with RPL9-related conditions. An algorithm developed to predict the effect of missense changes on protein structure and function (PolyPhen-2) suggests that this variant is likely to be tolerated. In summary, the available evidence is currently insufficient to determine the role of this variant in disease. Therefore, it has been classified as a Variant of Uncertain Significance.